The following is an entry in ClinVar:

NM_000126.4(ETFA):c.88A>G (p.Asn30Asp)

Gene: ETFA (electron transfer flavoprotein subunit alpha; minus strand). Cytogenetic location: 15q24.2.
Variant type: single nucleotide variant.
Coding change: c.88A>G on transcript NM_000126.4 (MANE Select); coding-DNA position 88, A replaced by G.
Protein change: p.Asn30Asp; replaces asparagine 30 with aspartic acid.
Molecular consequence: missense variant. On other transcripts: intron variant (1).
Genome position (GRCh38, 1-based): chr15:76,295,689, T>C on the plus strand (A>G on the coding strand, the complement: ETFA is on the minus strand). VCF-style: chr15-76295689-T-C. GRCh37 (hg19) VCF-style: chr15-76588030-T-C.
Other names: c.40-2989A>G (NM_001127716.2); short protein forms N30D.
Identifiers: ClinVar variation 1490223 (VCV001490223.4), dbSNP rs2039810890, ClinGen allele CA393517978.
Genomic context (GRCh38, chr15:76,295,689, plus strand): 5'-CACCTCCAAGGCGTGTGGCTGCAGTAATGGTATTTAAAGTAATGGGTGCTAGGGAATCAT[T>C]TGCATGCTCAGCTATTACCAGGGTACTCTGAAATCGTAGCAATGAGGCCTAAAAAGAGCA-3'
Protein context (NP_000117.1, residues 20-40): QSTLVIAEHA[Asn30Asp]DSLAPITLNT

ClinVar aggregate classification (germline): Uncertain significance. Review status: criteria provided, multiple submitters, no conflicts (2 of 4 stars). 2 submissions from 2 submitters: Uncertain significance (2). Last evaluated 2022-03-22.

Conditions:
Multiple acyl-CoA dehydrogenase deficiency (MADD). Also called: Glutaric Acidemia type 2; ETHYLMALONIC-ADIPICACIDURIA; GA II; Glutaric aciduria, type 2; Glutaric acidemia type II; GA 2. Identifiers: Orphanet 26791, MedGen C0268596, MONDO:0009282, OMIM 231680.

gnomAD v4.1: 3 of 1,613,546 alleles (0.00019%); highest among the groups gnomAD compares: South Asian, 0.0011%; no homozygotes.

Submissions (2):

Labcorp Genetics (formerly Invitae), Labcorp
Classification: Uncertain significance for Multiple acyl-CoA dehydrogenase deficiency. Last evaluated: 2022-03-22. Review status: criteria provided, single submitter. Criteria: Invitae Variant Classification Sherloc (09022015). Collection method: clinical testing. Allele origin: germline.
Comment: This sequence change replaces asparagine, which is neutral and polar, with aspartic acid, which is acidic and polar, at codon 30 of the ETFA protein (p.Asn30Asp). This variant is not present in population databases (gnomAD no frequency). This variant has not been reported in the literature in individuals affected with ETFA-related conditions. Algorithms developed to predict the effect of missense changes on protein structure and function output the following: SIFT: "Tolerated"; PolyPhen-2: "Benign"; Align-GVGD: "Class C0". The aspartic acid amino acid residue is found in multiple mammalian species, which suggests that this missense change does not adversely affect protein function. In summary, the available evidence is currently insufficient to determine the role of this variant in disease. Therefore, it has been classified as a Variant of Uncertain Significance.

Blueprint Genetics
Classification: Uncertain significance. Last evaluated: 2021-09-14. Review status: criteria provided, single submitter. Criteria: ACMG Guidelines, 2015. Collection method: clinical testing. Allele origin: germline.